The following is an entry in ClinVar:

ClinVar aggregate classification (germline): Uncertain significance (1 of 4 stars; one submission).

Conditions:
CHARGE syndrome (CHARGE). Also called: Hittner Hirsch Kreh syndrome; CHARGE ASSOCIATION--COLOBOMA, HEART ANOMALY, CHOANAL ATRESIA, RETARDATION, GENITAL AND EAR ANOMALIES; Coloboma, heart anomaly, choanal atresia, retardation, genital and ear anomalies; CHARGE association; Hall-Hittner syndrome. Identifiers: Orphanet 138, MedGen C0265354, MONDO:0008965.

Submission:

Labcorp Genetics (formerly Invitae), Labcorp
Classification: Uncertain significance for CHARGE syndrome. Last evaluated: 2025-05-19. Review status: criteria provided, single submitter. Criteria: Invitae Variant Classification Sherloc (09022015). Collection method: clinical testing. Allele origin: germline.
Comment: This sequence change replaces phenylalanine, which is neutral and non-polar, with leucine, which is neutral and non-polar, at codon 2015 of the CHD7 protein (p.Phe2015Leu). This variant is not present in population databases (gnomAD no frequency). This variant has not been reported in the literature in individuals affected with CHD7-related conditions. ClinVar contains an entry for this variant (Variation ID: 3678818). Invitae Evidence Modeling of protein sequence and biophysical properties (such as structural, functional, and spatial information, amino acid conservation, physicochemical variation, residue mobility, and thermodynamic stability) indicates that this missense variant is not expected to disrupt CHD7 protein function with a negative predictive value of 95%. In summary, the available evidence is currently insufficient to determine the role of this variant in disease. Therefore, it has been classified as a Variant of Uncertain Significance.

NM_017780.4(CHD7):c.6043T>C (p.Phe2015Leu)

Gene: CHD7 (chromodomain helicase DNA binding protein 7; plus strand). Cytogenetic location: 8q12.2.
Variant type: single nucleotide variant.
Coding change: c.6043T>C on transcript NM_017780.4 (MANE Select); coding-DNA position 6043, T replaced by C.
Protein change: p.Phe2015Leu; replaces phenylalanine 2015 with leucine.
Molecular consequence: missense variant. On other transcripts: intron variant (1).
Genome position (GRCh38, 1-based): chr8:60,852,646, T>C. VCF-style: chr8-60852646-T-C. GRCh37 (hg19) VCF-style: chr8-61765205-T-C.
Other names: c.1717-9583T>C (NM_001316690.1); short protein forms F2015L.
Identifiers: ClinVar variation 3678818 (VCV003678818.2).
Genomic context (GRCh38, chr8:60,852,646, plus strand): 5'-AACCAATTTAGAGCCTTTGCCAGGCTTGACAAAAAATCTGATGAGAGTTTGGAGAAATAC[T>C]TCAGTTGTTTTGTGGCCATGTGTAGGCGAGTATGTCGAATGCCCGTCAAGCCAGATGATG-3'
Protein context (NP_060250.2, residues 2005-2025): KKSDESLEKY[Phe2015Leu]SCFVAMCRRV